The following is an entry in ClinVar:

NM_001374385.1(ATP8B1):c.1113G>A (p.Trp371Ter)

Gene: ATP8B1 (ATPase phospholipid transporting 8B1; minus strand). Cytogenetic location: 18q21.31.
Variant type: single nucleotide variant.
Coding change: c.1113G>A on transcript NM_001374385.1 (MANE Select); coding-DNA position 1113, G replaced by A.
Protein change: p.Trp371Ter; replaces tryptophan 371 with a stop codon.
Molecular consequence: nonsense.
Genome position (GRCh38, 1-based): chr18:57,691,914, C>T on the plus strand (G>A on the coding strand, the complement: ATP8B1 is on the minus strand). VCF-style: chr18-57691914-C-T. GRCh37 (hg19) VCF-style: chr18-55359146-C-T.
Other names: c.963G>A, p.Trp321Ter (NM_001374386.1); c.1113G>A, p.Trp371Ter (NM_005603.6); short protein forms W321*, W371*.
Identifiers: ClinVar variation 4846311 (VCV004846311.1).

ClinVar aggregate classification (germline): Pathogenic (1 of 4 stars; one submission).

Conditions:
Familial intrahepatic cholestasis. Identifiers: Orphanet 284385, MedGen CN296401, MONDO:0017290.

Submission:

Genomenon, Inc
Classification: Pathogenic for Familial intrahepatic cholestasis. Last evaluated: 2026-04-14. Review status: criteria provided, single submitter. Criteria: Genomenon Sequence Variant Interpretation Standards - Updated. Collection method: curation. Allele origin: germline. Affected: yes.
Comment: ATP8B1 p.Trp371Ter (c.1113G>A) is a nonsense variant that introduces a premature stop codon at amino acid position 371, creating a truncated protein that is predicted to undergo nonsense-mediated mRNA decay. This variant has been observed in at least one proband with features of ATP8B1-deficiency (PMID:39634245;34961929). It is absent or not present at a significant frequency in gnomAD. In conclusion, we classify ATP8B1 p.Trp371Ter (c.1113G>A) as a pathogenic variant.

Literature cited by the submitters: PubMed 39634245; PubMed 34961929.